The following is an entry in ClinVar:

ClinVar aggregate classification (germline): Uncertain significance. Review status: criteria provided, multiple submitters, no conflicts (2 of 4 stars). 2 submissions from 2 submitters: Uncertain significance (2). Last evaluated 2026-01-06.

Conditions:
Ullrich congenital muscular dystrophy 2 (UCMD2). Identifiers: Orphanet 75840, MedGen C4225314, MONDO:0014654, OMIM 616470.
Bethlem myopathy 2 (BTHLM2). Identifiers: Orphanet 536516, Orphanet 610, MedGen C4225313, MONDO:0034022, OMIM 616471.

Allele frequency attached by ClinVar (database versions not stated): ExAC 0.00001; gnomAD 0.00001; TOPMed 0.00001; gnomAD exomes 0.00001.

Submissions (2):

Dasa
Classification: Uncertain significance. Last evaluated: 2026-01-06. Review status: criteria provided, single submitter. Criteria: DASA Assertion Criteria. Collection method: clinical testing. Allele origin: germline.
Comment: NM_004370.6(COL12A1):c.5251+4A>G is a splice-region variant. This variant is rare in population databases. The currently available literature and clinical evidence are not sufficient to establish a definitive association between this variant and the reported condition. Therefore, this variant is classified as a variant of uncertain significance.

Labcorp Genetics (formerly Invitae), Labcorp
Classification: Uncertain significance for Bethlem myopathy 2; Ullrich congenital muscular dystrophy 2. Last evaluated: 2025-04-18. Review status: criteria provided, single submitter. Criteria: Invitae Variant Classification Sherloc (09022015). Collection method: clinical testing. Allele origin: germline.
Comment: This sequence change falls in intron 30 of the COL12A1 gene. It does not directly change the encoded amino acid sequence of the COL12A1 protein. It affects a nucleotide within the consensus splice site. This variant is present in population databases (rs781348212, gnomAD 0.003%). This variant has not been reported in the literature in individuals affected with COL12A1-related conditions. ClinVar contains an entry for this variant (Variation ID: 664098). Variants that disrupt the consensus splice site are a relatively common cause of aberrant splicing (PMID: 17576681, 9536098). Algorithms developed to predict the effect of sequence changes on RNA splicing suggest that this variant may disrupt the consensus splice site. In summary, the available evidence is currently insufficient to determine the role of this variant in disease. Therefore, it has been classified as a Variant of Uncertain Significance.

Literature cited by the submitters: PubMed 17576681 (cited by Labcorp Genetics (formerly Invitae), Labcorp); PubMed 9536098 (cited by Labcorp Genetics (formerly Invitae), Labcorp).

NM_004370.6(COL12A1):c.5251+4A>G

Gene: COL12A1 (collagen type XII alpha 1 chain; minus strand). Cytogenetic location: 6q13.
Variant type: single nucleotide variant.
Coding change: c.5251+4A>G on transcript NM_004370.6 (MANE Select); 4 bases into the intron after coding-DNA position 5251, A replaced by G.
Molecular consequence: intron variant.
Genome position (GRCh38, 1-based): chr6:75,138,316, T>C on the plus strand (A>G on the coding strand, the complement: COL12A1 is on the minus strand). VCF-style: chr6-75138316-T-C. GRCh37 (hg19) VCF-style: chr6-75848032-T-C.
Other names: c.1759+4A>G (NM_080645.3).
Identifiers: ClinVar variation 664098 (VCV000664098.9), dbSNP rs781348212, ClinGen allele CA3893200.